The following is an entry in ClinVar:

NM_004629.2(FANCG):c.1677G>T (p.Lys559Asn)

Gene: FANCG (FA complementation group G; minus strand). Cytogenetic location: 9p13.3.
Variant type: single nucleotide variant.
Coding change: c.1677G>T on transcript NM_004629.2 (MANE Select); coding-DNA position 1677, G replaced by T.
Protein change: p.Lys559Asn; replaces lysine 559 with asparagine.
Molecular consequence: missense variant.
Genome position (GRCh38, 1-based): chr9:35,074,454, C>A on the plus strand (G>T on the coding strand, the complement: FANCG is on the minus strand). VCF-style: chr9-35074454-C-A. GRCh37 (hg19) VCF-style: chr9-35074451-C-A.
Other names: short protein forms K559N.
Identifiers: ClinVar variation 4254423 (VCV004254423.1).

ClinVar aggregate classification (germline): Uncertain significance (1 of 4 stars; one submission).

Conditions:
Inborn genetic diseases. Identifiers: MedGen C0950123, MeSH D030342.

Submission:

Ambry Genetics
Classification: Uncertain significance for Inborn genetic diseases. Last evaluated: 2025-06-15. Review status: criteria provided, single submitter. Criteria: Ambry Variant Classification Scheme 2023. Collection method: clinical testing. Allele origin: germline.
Comment: The p.K559N variant (also known as c.1677G>T), located in coding exon 13 of the FANCG gene, results from a G to T substitution at nucleotide position 1677. The lysine at codon 559 is replaced by asparagine, an amino acid with similar properties. This amino acid position is conserved. In addition, this alteration is predicted to be tolerated by in silico analysis. Based on the available evidence, the clinical significance of this variant remains unclear.